The following is an entry in ClinVar:

ClinVar aggregate classification (germline): Likely benign (0 of 4 stars; one submission).

Conditions:
PLXNA4-related disorder. Also called: PLXNA4-related condition.

Allele frequency attached by ClinVar (database versions not stated): TOPMed below 0.00001; gnomAD exomes 0.00001.
gnomAD v4.1: 3 of 1,585,108 alleles (0.00019%); highest among the groups gnomAD compares: Admixed American, 0.0051%; no homozygotes.

Submission:

PreventionGenetics, part of Exact Sciences
Classification: Likely benign for PLXNA4-related condition. Last evaluated: 2023-11-16. Review status: no assertion criteria provided. Collection method: clinical testing. Allele origin: germline.
Comment: This variant is classified as likely benign based on ACMG/AMP sequence variant interpretation guidelines (Richards et al. 2015 PMID: 25741868, with internal and published modifications).

NM_020911.2(PLXNA4):c.1604+10A>C

Gene: PLXNA4 (plexin A4; minus strand). Cytogenetic location: 7q32.3.
Variant type: single nucleotide variant.
Coding change: c.1604+10A>C on transcript NM_020911.2 (MANE Select); 10 bases into the intron after coding-DNA position 1604, A replaced by C.
Molecular consequence: intron variant.
Genome position (GRCh38, 1-based): chr7:132,241,056, T>G on the plus strand (A>C on the coding strand, the complement: PLXNA4 is on the minus strand). VCF-style: chr7-132241056-T-G. GRCh37 (hg19) VCF-style: chr7-131925815-T-G.
Other names: c.1604+10A>C (NM_001393897.1).
Identifiers: ClinVar variation 3036127 (VCV003036127.2), dbSNP rs1233824353, ClinGen allele CA577787612.